The following is an entry in ClinVar:

NC_000006.11:g.(?_123581598)_(123581802_?)del

Gene: TRDN (triadin; minus strand). Cytogenetic location: 6q22.31.
Variant type: Deletion.
Identifiers: ClinVar variation 1442912 (VCV001442912.2).

ClinVar aggregate classification (germline): Uncertain significance (1 of 4 stars; one submission).

Conditions:
Catecholaminergic polymorphic ventricular tachycardia (CVPT). Also called: Catecholamine-induced polymorphic ventricular tachycardia. Identifiers: Orphanet 3286, MedGen C5574922, MONDO:0017990.

Submission:

Labcorp Genetics (formerly Invitae), Labcorp
Classification: Uncertain significance for Catecholaminergic polymorphic ventricular tachycardia 1. Last evaluated: 2021-10-16. Review status: criteria provided, single submitter. Criteria: Invitae Variant Classification Sherloc (09022015). Collection method: clinical testing. Allele origin: germline.
Comment: This variant is a gross deletion of the genomic region encompassing exon(s) 34 of the TRDN gene. This variant would be expected to be in-frame, preserving the integrity of the reading frame. This variant has not been reported in the literature in individuals affected with TRDN-related conditions. Experimental studies and prediction algorithms are not available or were not evaluated, and the functional significance of this variant is currently unknown. In summary, the available evidence is currently insufficient to determine the role of this variant in disease. Therefore, it has been classified as a Variant of Uncertain Significance.